The following is an entry in ClinVar:

ClinVar aggregate classification (germline): Pathogenic (1 of 4 stars; one submission).

Submission:

Labcorp Genetics (formerly Invitae), Labcorp
Classification: Pathogenic. Last evaluated: 2025-10-27. Review status: criteria provided, single submitter. Criteria: Invitae Variant Classification Sherloc (09022015). Collection method: clinical testing. Allele origin: germline.
Comment: This sequence change creates a premature translational stop signal (p.Cys87*) in the AMHR2 gene. It is expected to result in an absent or disrupted protein product. Loss-of-function variants in AMHR2 are known to be pathogenic (PMID: 8872466, 28094762, 28528332). This variant is not present in population databases (gnomAD no frequency). This variant has not been reported in the literature in individuals affected with AMHR2-related conditions. For these reasons, this variant has been classified as Pathogenic.

Literature cited by the submitters: PubMed 8872466; PubMed 28094762; PubMed 28528332.

NM_020547.3(AMHR2):c.261_262del (p.Cys87_Glu88delinsTer)

Gene: AMHR2 (anti-Mullerian hormone receptor type 2; plus strand). Cytogenetic location: 12q13.13.
Variant type: Microsatellite.
Coding change: c.261_262del on transcript NM_020547.3 (MANE Select); coding-DNA positions 261 to 262, 2 bases deleted (TG; older notation c.261_262delTG).
Protein change: p.Cys87_Glu88delinsTer.
Molecular consequence: nonsense.
Genome position (GRCh38, 1-based): chr12:53,424,737-53,424,738, TG deleted; deleting any 2 consecutive bases within chr12:53,424,735-53,424,738 gives the same sequence; the c. name uses the placement nearest the transcript's 3' end. VCF-style (leftmost placement, unchanged base first): chr12-53424734-CTG-C. GRCh37 (hg19) VCF-style: chr12-53818518-CTG-C.
Other names: c.261_262del, p.Cys87_Glu88delinsTer (NM_001164690.2, NM_001164691.2).
Identifiers: ClinVar variation 3665562 (VCV003665562.2).